The following is an entry in ClinVar:

ClinVar aggregate classification (germline): Benign/Likely benign. Review status: criteria provided, multiple submitters, no conflicts (2 of 4 stars). 3 submissions from 3 submitters: Benign (1); Likely benign (2). Last evaluated 2025-12-05.

Conditions:
Hereditary cancer-predisposing syndrome. Also called: Neoplastic Syndromes, Hereditary; Hereditary Cancer Syndrome; Hereditary neoplastic syndrome; Tumor predisposition. Identifiers: Orphanet 140162, MedGen C0027672, MeSH D009386, MONDO:0015356.
Pheochromocytoma/paraganglioma syndrome 4. Also called: PARAGANGLIOMA, FAMILIAL MALIGNANT; PARAGANGLIOMAS, HEREDITARY EXTRAADRENAL; PHEOCHROMOCYTOMA, FAMILIAL EXTRAADRENAL; Paragangliomas 4; CAROTID BODY TUMORS AND MULTIPLE EXTRAADRENAL PHEOCHROMOCYTOMAS; SDHB-Related Hereditary Paraganglioma-Pheochromocytoma Syndrome (Paragangliomas 4). Identifiers: Orphanet 29072, MedGen C1861848, MONDO:0007273, OMIM 115310.
Gastrointestinal stromal tumor. Also called: Gastrointestinal stroma tumor; Gastrointestinal stromal tumor, somatic. Identifiers: Orphanet 44890, MedGen C0238198, MeSH D046152, MONDO:0011719, OMIM 606764, HP:0100723.
Pheochromocytoma. Also called: MAX-Related Hereditary Paraganglioma-Pheochromocytoma Syndrome. Identifiers: Orphanet 29072, MedGen C0031511, MONDO:0008233, OMIM 171300, HP:0002666.

Allele frequency attached by ClinVar (database versions not stated): gnomAD exomes below 0.00001.
gnomAD v4.1: 2 of 1,608,292 alleles (0.00012%); highest among the groups gnomAD compares: Non-Finnish European, 0.00017%; no homozygotes.

Submissions (3):

Labcorp Genetics (formerly Invitae), Labcorp
Classification: Likely benign for Gastrointestinal stromal tumor; Pheochromocytoma/paraganglioma syndrome 4; Pheochromocytoma. Last evaluated: 2025-12-05. Review status: criteria provided, single submitter. Criteria: Invitae Variant Classification Sherloc (09022015). Collection method: clinical testing. Allele origin: germline.

Myriad Genetics, Inc.
Classification: Benign for Pheochromocytoma/paraganglioma syndrome 4. Last evaluated: 2025-03-13. Review status: criteria provided, single submitter. Criteria: Myriad Autosomal Dominant, Autosomal Recessive and X-Linked Classification Criteria (2023). Collection method: clinical testing. Allele origin: unknown.
Comment: This variant is considered benign. This variant is a silent/synonymous amino acid change and it is not expected to impact splicing.

Ambry Genetics
Classification: Likely benign for Hereditary cancer-predisposing syndrome. Last evaluated: 2021-09-09. Review status: criteria provided, single submitter. Criteria: Ambry Variant Classification Scheme 2023. Collection method: clinical testing. Allele origin: germline.

NM_003000.3(SDHB):c.768T>C (p.Gly256=)

Gene: SDHB (succinate dehydrogenase complex iron sulfur subunit B; minus strand). Cytogenetic location: 1p36.13.
Variant type: single nucleotide variant.
Coding change: c.768T>C on transcript NM_003000.3 (MANE Select); coding-DNA position 768, T replaced by C.
Protein change: p.Gly256=; no amino-acid change (glycine 256 retained).
Molecular consequence: synonymous variant.
Genome position (GRCh38, 1-based): chr1:17,018,956, A>G on the plus strand (T>C on the coding strand, the complement: SDHB is on the minus strand). VCF-style: chr1-17018956-A-G. GRCh37 (hg19) VCF-style: chr1-17345451-A-G.
Identifiers: ClinVar variation 417304 (VCV000417304.14), dbSNP rs1060505017, ClinGen allele CA16609915.
Genomic context (GRCh38, chr1:17,018,956, plus strand): 5'-CTTCTCCTTATAGGTTGCCATCATTTTCTTGATCTCTGCAATAGCTTTCCCTGGATTCAG[A>G]CCCTTGAAAAAAGAGAAAAGAATCAATAACAAATGATAACTGAAACTGAAAGGGAAAACC-3'
Protein context (NP_002991.2, residues 246-266): IMNCTRTCPK[Gly256=]LNPGKAIAEI